The following is an entry in ClinVar:

NM_007315.4(STAT1):c.*1060A>C

Gene: STAT1 (signal transducer and activator of transcription 1; minus strand). Cytogenetic location: 2q32.2.
Variant type: single nucleotide variant.
Coding change: c.*1060A>C on transcript NM_007315.4 (MANE Select); 1060 bases downstream of the stop codon, A replaced by C.
Molecular consequence: 3 prime UTR variant.
Genome position (GRCh38, 1-based): chr2:190,969,643, T>G on the plus strand (A>C on the coding strand, the complement: STAT1 is on the minus strand). VCF-style: chr2-190969643-T-G. GRCh37 (hg19) VCF-style: chr2-191834369-T-G.
Other names: c.*1060A>C (NM_001384880.1, NM_001384881.1, NM_001384882.1 and 9 more transcripts).
Identifiers: ClinVar variation 333250 (VCV000333250.5), dbSNP rs570854463, ClinGen allele CA10611858.

ClinVar aggregate classification (germline): Benign (1 of 4 stars; one submission).

Conditions:
Mendelian susceptibility to mycobacterial diseases due to partial STAT1 deficiency. Also called: IMMUNODEFICIENCY 31A, MYCOBACTERIOSIS, AUTOSOMAL DOMINANT; STAT1 DEFICIENCY, AUTOSOMAL DOMINANT; Immunodeficiency 31a. Identifiers: Orphanet 319595, MedGen C4013950, MONDO:0013956, OMIM 614892.

Allele frequency attached by ClinVar (database versions not stated): gnomAD 0.00001 and 0.00025; TOPMed 0.00004; 1000 Genomes Project 30x 0.00172; 1000 Genomes Project 0.00180.

Submission:

Illumina Laboratory Services, Illumina
Classification: Benign for Mendelian susceptibility to mycobacterial diseases due to partial STAT1 deficiency. Last evaluated: 2018-01-12. Review status: criteria provided, single submitter. Criteria: ICSL Variant Classification Criteria 13 December 2019. Collection method: clinical testing. Allele origin: germline.
Comment: This variant was observed in the ICSL laboratory as part of a predisposition screen in an ostensibly healthy population. It had not been previously curated by ICSL or reported in the Human Gene Mutation Database (HGMD: prior to June 1st, 2018), and was therefore a candidate for classification through an automated scoring system. Utilizing variant allele frequency, disease prevalence and penetrance estimates, and inheritance mode, an automated score was calculated to assess if this variant is too frequent to cause the disease. Based on the score and internal cut-off values, a variant classified as benign is not then subjected to further curation. The score for this variant resulted in a classification of benign for this disease.